The following is an entry in ClinVar:

ClinVar aggregate classification (germline): Pathogenic (1 of 4 stars; one submission).

Conditions:
Interstitial lung disease due to ABCA3 deficiency. Also called: PULMONARY ALVEOLAR PROTEINOSIS, CONGENITAL, 3. Identifiers: Orphanet 440402, MedGen C1970456, MONDO:0012582, OMIM 610921.

Submission:

Myriad Genetics, Inc.
Classification: Pathogenic for Interstitial lung disease due to ABCA3 deficiency. Last evaluated: 2025-07-27. Review status: criteria provided, single submitter. Criteria: Myriad Autosomal Dominant, Autosomal Recessive and X-Linked Classification Criteria (2023). Collection method: clinical testing. Allele origin: unknown.
Comment: NM_001089.2(ABCA3):c.2780_2781delCG(A927Gfs*66) is expected to be pathogenic in the context of surfactant deficiency, ABCA3-related. This variant is predicted to lead to an abnormal or absent protein product due to the creation of a premature termination codon in ABCA3, a gene where loss-of-function variants are known to be pathogenic. Please note: this variant was assessed in the context of healthy population screening.

NM_001089.3(ABCA3):c.2780_2781del (p.Ala927fs)

Gene: ABCA3 (ATP binding cassette subfamily A member 3; minus strand). Cytogenetic location: 16p13.3.
Variant type: Deletion.
Coding change: c.2780_2781del on transcript NM_001089.3 (MANE Select); coding-DNA positions 2780 to 2781, 2 bases deleted (CG; older notation c.2780_2781delCG).
Protein change: p.Ala927fs; shifts the reading frame from alanine 927.
Molecular consequence: frameshift variant.
Genome position (GRCh38, 1-based): chr16:2,288,249-2,288,250, CG deleted on the plus strand (CG on the coding strand, the reverse complement: ABCA3 is on the minus strand); deleting any 2 consecutive bases within chr16:2,288,249-2,288,251 gives the same sequence; the c. name uses the placement nearest the transcript's 3' end. VCF-style (leftmost placement, unchanged base first): chr16-2288248-CCG-C. GRCh37 (hg19) VCF-style: chr16-2338249-CCG-C.
Other names: short protein forms A927fs.
Identifiers: ClinVar variation 5014779 (VCV005014779.1).
Genomic context (GRCh38, chr16:2,288,248, plus strand): 5'-AGGAGTAGTTGATGGCCAGGAGGGCCAGGGTGACGCAGGTCAGAGGCACCAGGACCTGTG[CCG>C]CCACCATTTTCCACTCGCGCCAGCTGTATGCGGCCTTCTTCAGGAACATGGCCCAGAATT-3'